The following is an entry in ClinVar:

NM_005732.4(RAD50):c.1094G>T (p.Arg365Leu)

Gene: RAD50 (RAD50 double strand break repair protein; plus strand). Cytogenetic location: 5q31.1.
Variant type: single nucleotide variant.
Coding change: c.1094G>T on transcript NM_005732.4 (MANE Select); coding-DNA position 1094, G replaced by T.
Protein change: p.Arg365Leu; replaces arginine 365 with leucine.
Molecular consequence: missense variant.
Genome position (GRCh38, 1-based): chr5:132,588,729, G>T. VCF-style: chr5-132588729-G-T. GRCh37 (hg19) VCF-style: chr5-131924421-G-T.
Other names: short protein forms R365L.
Identifiers: ClinVar variation 185007 (VCV000185007.11), dbSNP rs146370443, ClinGen allele CA190762.

ClinVar aggregate classification (germline): Conflicting classifications of pathogenicity. Review status: criteria provided, conflicting classifications (1 of 4 stars). 2 submissions from 2 submitters: Uncertain significance (1); Likely benign (1). Last evaluated 2024-08-09.

Conditions:
Hereditary cancer-predisposing syndrome. Also called: Hereditary neoplastic syndrome; Neoplastic Syndromes, Hereditary; Tumor predisposition; Hereditary Cancer Syndrome. Identifiers: Orphanet 140162, MedGen C0027672, MeSH D009386, MONDO:0015356.

Submissions (2):

Ambry Genetics
Classification: Likely benign for Hereditary cancer-predisposing syndrome. Last evaluated: 2024-08-09. Review status: criteria provided, single submitter. Criteria: Ambry Variant Classification Scheme 2023. Collection method: clinical testing. Allele origin: germline.

Labcorp Genetics (formerly Invitae), Labcorp
Classification: Uncertain significance for Hereditary cancer-predisposing syndrome. Last evaluated: 2022-09-25. Review status: criteria provided, single submitter. Criteria: Invitae Variant Classification Sherloc (09022015). Collection method: clinical testing. Allele origin: germline.
Comment: This variant is not present in population databases (gnomAD no frequency). In summary, the available evidence is currently insufficient to determine the role of this variant in disease. Therefore, it has been classified as a Variant of Uncertain Significance. Advanced modeling of protein sequence and biophysical properties (such as structural, functional, and spatial information, amino acid conservation, physicochemical variation, residue mobility, and thermodynamic stability) performed at Invitae indicates that this missense variant is not expected to disrupt RAD50 protein function. ClinVar contains an entry for this variant (Variation ID: 185007). This variant has not been reported in the literature in individuals affected with RAD50-related conditions. This sequence change replaces arginine, which is basic and polar, with leucine, which is neutral and non-polar, at codon 365 of the RAD50 protein (p.Arg365Leu).